The following is an entry in ClinVar:

ClinVar aggregate classification (germline): Uncertain significance (1 of 4 stars; one submission).

Conditions:
Chuvash polycythemia. Also called: POLYCYTHEMIA, VHL-DEPENDENT. Identifiers: Orphanet 238557, MedGen C1837915, MONDO:0009892, OMIM 263400.
Von Hippel-Lindau syndrome (VHLS). Also called: von Hippel–Lindau syndrome; Von Hippel-Lindau; VHL syndrome. Identifiers: Orphanet 892, MedGen C0019562, MONDO:0008667, OMIM 193300. Disease mechanism: loss of function.

Submission:

Labcorp Genetics (formerly Invitae), Labcorp
Classification: Uncertain significance for Von Hippel-Lindau syndrome; Chuvash polycythemia. Last evaluated: 2022-02-25. Review status: criteria provided, single submitter. Criteria: Invitae Variant Classification Sherloc (09022015). Collection method: clinical testing. Allele origin: germline.
Comment: In summary, the available evidence is currently insufficient to determine the role of this variant in disease. Therefore, it has been classified as a Variant of Uncertain Significance. Algorithms developed to predict the effect of sequence changes on RNA splicing suggest that this variant is not likely to affect RNA splicing. Experimental studies and prediction algorithms are not available or were not evaluated, and the functional significance of this variant is currently unknown. This variant has not been reported in the literature in individuals affected with VHL-related conditions. This variant is not present in population databases (gnomAD no frequency). This sequence change falls in intron 1 of the VHL gene. It is not expected to change the encoded amino acid sequence of the VHL protein. However, this sequence change falls within a cryptic exon in the VHL gene, known as exon E1’, which is naturally expressed at low levels in several human tissues (PMID: 29891534).

Literature cited by the submitters: PubMed 29891534.

NM_000551.4(VHL):c.340+576T>C

Genes: VHL (von Hippel-Lindau tumor suppressor; plus strand), LOC107303340 (3p25 von Hippel-Lindau tumor suppressor, E3 ubiquitin protein ligase Alu-mediated recombination region; plus strand). Cytogenetic location: 3p25.3.
Variant type: single nucleotide variant.
Coding change: c.340+576T>C on transcript NM_000551.4 (MANE Select); 576 bases into the intron after coding-DNA position 340, T replaced by C.
Molecular consequence: intron variant. On other transcripts: missense variant (1).
Genome position (GRCh38, 1-based): chr3:10,142,763, T>C. VCF-style: chr3-10142763-T-C. GRCh37 (hg19) VCF-style: chr3-10184447-T-C.
Other names: c.341T>C, p.Val114Ala (NM_001354723.2); c.340+576T>C (NM_198156.3); short protein forms V114A.
Identifiers: ClinVar variation 2103177 (VCV002103177.4), dbSNP rs2470159861, ClinGen allele CA2580068417.